The following is an entry in ClinVar:

NM_025225.3(PNPLA3):c.295T>G (p.Cys99Gly)

Gene: PNPLA3 (patatin like domain 3, 1-acylglycerol-3-phosphate O-acyltransferase; plus strand). Cytogenetic location: 22q13.31.
Variant type: single nucleotide variant.
Coding change: c.295T>G on transcript NM_025225.3 (MANE Select); coding-DNA position 295, T replaced by G.
Protein change: p.Cys99Gly; replaces cysteine 99 with glycine.
Molecular consequence: missense variant.
Genome position (GRCh38, 1-based): chr22:43,927,042, T>G. VCF-style: chr22-43927042-T-G. GRCh37 (hg19) VCF-style: chr22-44322922-T-G.
Other names: short protein forms C99G.
Identifiers: ClinVar variation 341928 (VCV000341928.6), dbSNP rs2076213, ClinGen allele CA10277870.

ClinVar aggregate classification (germline): Benign. Review status: criteria provided, multiple submitters, no conflicts (2 of 4 stars). 2 submissions from 2 submitters: Benign (2). Last evaluated 2018-01-13.

Conditions:
NAFLD1 (FLD1). Also called: FATTY LIVER DISEASE, SUSCEPTIBILITY TO, 1; Fatty liver disease, nonalcoholic 1. Identifiers: MedGen C2750440, MONDO:0021105, OMIM 613282.

Allele frequency attached by ClinVar (database versions not stated): 1000 Genomes Project 30x 0.07121; 1000 Genomes Project 0.07228; TOPMed 0.07993; ESP Exome Variant Server 0.08004.
gnomAD v4.1: 149,267 of 1,614,180 alleles (9.2%); highest among the groups gnomAD compares: Admixed American, 17%; 7,629 homozygotes.

Submissions (2):

Illumina Laboratory Services, Illumina
Classification: Benign for NAFLD1. Last evaluated: 2018-01-13. Review status: criteria provided, single submitter. Criteria: ICSL Variant Classification Criteria 13 December 2019. Collection method: clinical testing. Allele origin: germline.
Comment: This variant was observed in the ICSL laboratory as part of a predisposition screen in an ostensibly healthy population. It had not been previously curated by ICSL or reported in the Human Gene Mutation Database (HGMD: prior to June 1st, 2018), and was therefore a candidate for classification through an automated scoring system. Utilizing variant allele frequency, disease prevalence and penetrance estimates, and inheritance mode, an automated score was calculated to assess if this variant is too frequent to cause the disease. Based on the score and internal cut-off values, a variant classified as benign is not then subjected to further curation. The score for this variant resulted in a classification of benign for this disease.

Breakthrough Genomics
Classification: Benign. Review status: criteria provided, single submitter. Criteria: ACMG Guidelines, 2015. Collection method: not provided. Allele origin: germline. Inheritance: Unknown mechanism. Affected: yes.